The following is an entry in ClinVar:

ClinVar aggregate classification (germline): Likely pathogenic (1 of 4 stars; one submission).

Conditions:
Congenital dyserythropoietic anemia, type II (CDAN2). Also called: DYSERYTHROPOIETIC ANEMIA, HEMPAS TYPE. Identifiers: Orphanet 98873, MedGen C1306589, MONDO:0009134, OMIM 224100.
Cowden syndrome 7 (CWS7). Identifiers: Orphanet 201, MedGen C4225179, MONDO:0014802, OMIM 616858.

gnomAD v4.1: 4 of 1,611,746 alleles (0.00025%); highest among the groups gnomAD compares: Non-Finnish European, 0.00034%; no homozygotes.

Submission:

Labcorp Genetics (formerly Invitae), Labcorp
Classification: Likely pathogenic for Congenital dyserythropoietic anemia, type II; Cowden syndrome 7. Last evaluated: 2023-04-09. Review status: criteria provided, single submitter. Criteria: Invitae Variant Classification Sherloc (09022015). Collection method: clinical testing. Allele origin: germline.
Comment: In summary, the currently available evidence indicates that the variant is pathogenic, but additional data are needed to prove that conclusively. Therefore, this variant has been classified as Likely Pathogenic. Algorithms developed to predict the effect of sequence changes on RNA splicing suggest that this variant may disrupt the consensus splice site. Disruption of this splice site has been observed in individual(s) with congenital dyserythropoietic anemia (PMID: 27471141). This variant is not present in population databases (gnomAD no frequency). This sequence change affects an acceptor splice site in intron 4 of the SEC23B gene. It is expected to disrupt RNA splicing. Variants that disrupt the donor or acceptor splice site typically lead to a loss of protein function (PMID: 16199547), and loss-of-function variants in SEC23B are known to be pathogenic (PMID: 19561605, 25044164).

Literature cited by the submitters: PubMed 27471141; PubMed 16199547; PubMed 19561605; PubMed 25044164.

NM_006363.6(SEC23B):c.367-1G>T

Genes: SEC23B (SEC23 homolog B, COPII component; plus strand), LOC126862987 (MED14-independent group 3 enhancer GRCh37_chr20:18504796-18505995; plus strand). Cytogenetic location: 20p11.23.
Variant type: single nucleotide variant.
Coding change: c.367-1G>T on transcript NM_006363.6 (MANE Select); the canonical splice acceptor site of the intron before coding-DNA position 367, G replaced by T.
Molecular consequence: splice acceptor variant. On other transcripts: intron variant (1).
Genome position (GRCh38, 1-based): chr20:18,524,432, G>T. VCF-style: chr20-18524432-G-T. GRCh37 (hg19) VCF-style: chr20-18505076-G-T.
Other names: c.367-1G>T (NM_032986.5, NM_001172745.3, NM_032985.6); c.367-55G>T (NM_001172746.3).
Identifiers: ClinVar variation 2946424 (VCV002946424.3), dbSNP rs1380097145, ClinGen allele CA408357775.